The following is an entry in ClinVar:

ClinVar aggregate classification (germline): Uncertain significance (1 of 4 stars; one submission).

Conditions:
Spondylocostal dysostosis 5 (SCDO5). Also called: SCOLIOSIS, CONGENITAL, WITH OR WITHOUT RIB ANOMALIES. Identifiers: MedGen C4083048, MONDO:0007389, OMIM 122600.

Submission:

Juno Genomics, Hangzhou Juno Genomics, Inc
Classification: Uncertain significance for Spondylocostal dysostosis 5. Review status: criteria provided, single submitter. Criteria: ACMG Guidelines, 2015. Collection method: clinical testing. Allele origin: germline.
Comment: Absent from controls (or at extremely low frequency if recessive) in Genome Aggregation Database.;Multiple lines of computational evidence support a deleterious effect on the gene or gene product.

NM_004608.4(TBX6):c.328G>A (p.Glu110Lys)

Gene: TBX6 (T-box transcription factor 6; minus strand). Cytogenetic location: 16p11.2.
Variant type: single nucleotide variant.
Coding change: c.328G>A on transcript NM_004608.4 (MANE Select); coding-DNA position 328, G replaced by A.
Protein change: p.Glu110Lys; replaces glutamic acid 110 with lysine.
Molecular consequence: missense variant.
Genome position (GRCh38, 1-based): chr16:30,090,783, C>T on the plus strand (G>A on the coding strand, the complement: TBX6 is on the minus strand). VCF-style: chr16-30090783-C-T. GRCh37 (hg19) VCF-style: chr16-30102104-C-T.
Other names: short protein forms E110K.
Identifiers: ClinVar variation 5005567 (VCV005005567.2).